The following is an entry in ClinVar:

ClinVar aggregate classification (germline): Uncertain significance (1 of 4 stars; one submission).

Conditions:
Cardiovascular phenotype. Identifiers: MedGen CN230736.

Submission:

Ambry Genetics
Classification: Uncertain significance for Cardiovascular phenotype. Last evaluated: 2022-08-03. Review status: criteria provided, single submitter. Criteria: Ambry Variant Classification Scheme 2023. Collection method: clinical testing. Allele origin: germline.
Comment: The p.N1826K variant (also known as c.5478C>G), located in coding exon 26 of the APOB gene, results from a C to G substitution at nucleotide position 5478. The asparagine at codon 1826 is replaced by lysine, an amino acid with similar properties. This amino acid position is conserved. In addition, this alteration is predicted to be tolerated by in silico analysis. Since supporting evidence is limited at this time, the clinical significance of this alteration remains unclear.

NM_000384.3(APOB):c.5478C>G (p.Asn1826Lys)

Gene: APOB (apolipoprotein B; minus strand). Cytogenetic location: 2p24.1.
Variant type: single nucleotide variant.
Coding change: c.5478C>G on transcript NM_000384.3 (MANE Select); coding-DNA position 5478, C replaced by G.
Protein change: p.Asn1826Lys; replaces asparagine 1826 with lysine.
Molecular consequence: missense variant.
Genome position (GRCh38, 1-based): chr2:21,011,390, G>C on the plus strand (C>G on the coding strand, the complement: APOB is on the minus strand). VCF-style: chr2-21011390-G-C. GRCh37 (hg19) VCF-style: chr2-21234262-G-C.
Other names: short protein forms N1826K.
Identifiers: ClinVar variation 1747771 (VCV001747771.2), dbSNP rs775920741, ClinGen allele CA346004640.